The following is an entry in ClinVar:

NM_182961.4(SYNE1):c.11894_11895del (p.His3965fs)

Gene: SYNE1 (spectrin repeat containing nuclear envelope protein 1; minus strand). Cytogenetic location: 6q25.2.
Variant type: Deletion.
Coding change: c.11894_11895del on transcript NM_182961.4 (MANE Select); coding-DNA positions 11894 to 11895, 2 bases deleted (AC; older notation c.11894_11895delAC).
Protein change: p.His3965fs; shifts the reading frame from histidine 3965.
Molecular consequence: frameshift variant. On other transcripts: intron variant (1).
Genome position (GRCh38, 1-based): chr6:152,350,174-152,350,175, GT deleted on the plus strand (AC on the coding strand, the reverse complement: SYNE1 is on the minus strand); deleting any 2 consecutive bases within chr6:152,350,174-152,350,176 gives the same sequence; the c. name uses the placement nearest the transcript's 3' end. VCF-style (leftmost placement, unchanged base first): chr6-152350173-GGT-G. GRCh37 (hg19) VCF-style: chr6-152671308-GGT-G.
Other names: c.11688+443_11688+444del (NM_033071.5); short protein forms H3965fs.
Identifiers: ClinVar variation 2505568 (VCV002505568.1), dbSNP rs2487562970, ClinGen allele CA2580615819.

ClinVar aggregate classification (germline): Likely pathogenic (1 of 4 stars; one submission).

Conditions:
Autosomal recessive ataxia, Beauce type. Also called: ATAXIA, RECESSIVE, OF BEAUCE; SYNE1 Deficiency; Spinocerebellar ataxia, autosomal recessive 8; SYNE1-Related Autosomal Recessive Cerebellar Ataxia. Identifiers: Orphanet 88644, MedGen C1853116, MONDO:0012549, OMIM 610743.

Submission:

Dr. med. U. Finckh, Human Genetics, Eurofins MVZ
Classification: Likely pathogenic for Autosomal recessive ataxia, Beauce type. Review status: criteria provided, single submitter. Criteria: ACMG Guidelines, 2015. Collection method: clinical testing. Allele origin: paternal. Affected: yes.